The following is an entry in ClinVar:

ClinVar aggregate classification (germline): Uncertain significance (1 of 4 stars; one submission).

Conditions:
Perlman syndrome (PRLMNS). Identifiers: Orphanet 2849, MedGen C0796113, MONDO:0009965, OMIM 267000.

gnomAD v4.1: 2 of 1,613,762 alleles (0.00012%); highest among the groups gnomAD compares: South Asian, 0.0011%; no homozygotes.

Submission:

Labcorp Genetics (formerly Invitae), Labcorp
Classification: Uncertain significance for Perlman syndrome. Last evaluated: 2022-09-29. Review status: criteria provided, single submitter. Criteria: Invitae Variant Classification Sherloc (09022015). Collection method: clinical testing. Allele origin: germline.
Comment: This sequence change replaces proline, which is neutral and non-polar, with arginine, which is basic and polar, at codon 16 of the DIS3L2 protein (p.Pro16Arg). This variant is present in population databases (no rsID available, gnomAD 0.003%). This variant has not been reported in the literature in individuals affected with DIS3L2-related conditions. ClinVar contains an entry for this variant (Variation ID: 839169). Algorithms developed to predict the effect of missense changes on protein structure and function are either unavailable or do not agree on the potential impact of this missense change (SIFT: "Tolerated"; PolyPhen-2: "Possibly Damaging"; Align-GVGD: "Class C0"). In summary, the available evidence is currently insufficient to determine the role of this variant in disease. Therefore, it has been classified as a Variant of Uncertain Significance.

NM_152383.5(DIS3L2):c.47C>G (p.Pro16Arg)

Gene: DIS3L2 (DIS3 like 3'-5' exoribonuclease 2; plus strand). Cytogenetic location: 2q37.1.
Variant type: single nucleotide variant.
Coding change: c.47C>G on transcript NM_152383.5 (MANE Select); coding-DNA position 47, C replaced by G.
Protein change: p.Pro16Arg; replaces proline 16 with arginine.
Molecular consequence: missense variant. On other transcripts: non-coding transcript variant (2).
Genome position (GRCh38, 1-based): chr2:232,014,974, C>G. VCF-style: chr2-232014974-C-G. GRCh37 (hg19) VCF-style: chr2-232879684-C-G.
Other names: c.47C>G, p.Pro16Arg (NM_001257281.2, NM_001257282.2); short protein forms P16R.
Identifiers: ClinVar variation 839169 (VCV000839169.9), dbSNP rs769111524, ClinGen allele CA351151112.